The following is an entry in ClinVar:

ClinVar aggregate classification (germline): Uncertain significance (1 of 4 stars; one submission).

Conditions:
Neuromuscular disease caused by qualitative or quantitative defects of dysferlin. Also called: Dysferlinopathy; Qualitative or quantitative defects of dysferlin. Identifiers: Orphanet 207073, MedGen C2931687, MONDO:0016145.

Allele frequency attached by ClinVar (database versions not stated): ExAC 0.00001; gnomAD 0.00001; TOPMed 0.00001; ESP Exome Variant Server 0.00008.
gnomAD v4.1: 3 of 1,613,274 alleles (0.00019%); highest among the groups gnomAD compares: Non-Finnish European, 0.00025%; no homozygotes.

Submission:

Labcorp Genetics (formerly Invitae), Labcorp
Classification: Uncertain significance for Neuromuscular disease caused by qualitative or quantitative defects of dysferlin. Last evaluated: 2022-06-01. Review status: criteria provided, single submitter. Criteria: Invitae Variant Classification Sherloc (09022015). Collection method: clinical testing. Allele origin: germline.
Comment: This sequence change replaces glutamic acid, which is acidic and polar, with lysine, which is basic and polar, at codon 1294 of the DYSF protein (p.Glu1294Lys). The frequency data for this variant in the population databases is considered unreliable, as metrics indicate poor data quality at this position in the gnomAD database. This variant has not been reported in the literature in individuals affected with DYSF-related conditions. Advanced modeling of protein sequence and biophysical properties (such as structural, functional, and spatial information, amino acid conservation, physicochemical variation, residue mobility, and thermodynamic stability) performed at Invitae indicates that this missense variant is not expected to disrupt DYSF protein function. In summary, the available evidence is currently insufficient to determine the role of this variant in disease. Therefore, it has been classified as a Variant of Uncertain Significance.

NM_001130987.2(DYSF):c.3934G>A (p.Glu1312Lys)

Genes: DYSF (dysferlin; plus strand), LOC122787137 (CDK7 strongly-dependent group 2 enhancer GRCh37_chr2:71829831-71831030; plus strand). Cytogenetic location: 2p13.2.
Variant type: single nucleotide variant.
Coding change: c.3934G>A on transcript NM_001130987.2 (MANE Select); coding-DNA position 3934, G replaced by A.
Protein change: p.Glu1312Lys; replaces glutamic acid 1312 with lysine.
Molecular consequence: missense variant.
Genome position (GRCh38, 1-based): chr2:71,602,782, G>A. VCF-style: chr2-71602782-G-A. GRCh37 (hg19) VCF-style: chr2-71829912-G-A.
Other names: c.3883G>A, p.Glu1295Lys (NM_001130455.2, NM_001130983.2); c.3838G>A, p.Glu1280Lys (NM_001130976.2, NM_001130977.2); c.3880G>A, p.Glu1294Lys (NM_001130978.2, NM_003494.4); c.3973G>A, p.Glu1325Lys (NM_001130979.2); c.3931G>A, p.Glu1311Lys (NM_001130980.2, NM_001130981.2); c.3976G>A, p.Glu1326Lys (NM_001130982.2); c.3841G>A, p.Glu1281Lys (NM_001130984.2, NM_001130986.2); c.3934G>A, p.Glu1312Lys (NM_001130985.2); short protein forms E1294K, E1295K, E1311K, E1325K, E1312K, E1326K, E1280K, E1281K.
Identifiers: ClinVar variation 2199498 (VCV002199498.1), dbSNP rs371437341, ClinGen allele CA1706801.